The following is an entry in ClinVar:

NM_001114753.3(ENG):c.908C>A (p.Ala303Asp)

Gene: ENG (endoglin; minus strand). Cytogenetic location: 9q34.11.
Variant type: single nucleotide variant.
Coding change: c.908C>A on transcript NM_001114753.3 (MANE Select); coding-DNA position 908, C replaced by A.
Protein change: p.Ala303Asp; replaces alanine 303 with aspartic acid.
Molecular consequence: missense variant.
Genome position (GRCh38, 1-based): chr9:127,824,883, G>T on the plus strand (C>A on the coding strand, the complement: ENG is on the minus strand). VCF-style: chr9-127824883-G-T. GRCh37 (hg19) VCF-style: chr9-130587162-G-T.
Other names: c.908C>A, p.Ala303Asp (NM_000118.4, NM_001406715.1); c.362C>A, p.Ala121Asp (NM_001278138.2); short protein forms A121D, A303D.
Identifiers: ClinVar variation 1765736 (VCV001765736.4), dbSNP rs2539072963, ClinGen allele CA374982383.

ClinVar aggregate classification (germline): Uncertain significance. Review status: criteria provided, multiple submitters, no conflicts (2 of 4 stars). 2 submissions from 2 submitters: Uncertain significance (2). Last evaluated 2024-08-13.

Conditions:
Cardiovascular phenotype. Identifiers: MedGen CN230736.
Hereditary hemorrhagic telangiectasia (HHT). Also called: ORW DISEASE; Osler Weber Rendu syndrome; OSLER-RENDU-WEBER DISEASE; Osler hemorrhagic telangiectasia syndrome. Identifiers: Orphanet 774, MedGen C0039445, MONDO:0019180. Disease mechanism: loss of function.

Submissions (2):

Labcorp Genetics (formerly Invitae), Labcorp
Classification: Uncertain significance for Hereditary hemorrhagic telangiectasia. Last evaluated: 2024-08-13. Review status: criteria provided, single submitter. Criteria: Invitae Variant Classification Sherloc (09022015). Collection method: clinical testing. Allele origin: germline.
Comment: This sequence change replaces alanine, which is neutral and non-polar, with aspartic acid, which is acidic and polar, at codon 303 of the ENG protein (p.Ala303Asp). This variant is not present in population databases (gnomAD no frequency). This variant has not been reported in the literature in individuals affected with ENG-related conditions. ClinVar contains an entry for this variant (Variation ID: 1765736). Advanced modeling of protein sequence and biophysical properties (such as structural, functional, and spatial information, amino acid conservation, physicochemical variation, residue mobility, and thermodynamic stability) performed at Invitae indicates that this missense variant is expected to disrupt ENG protein function with a positive predictive value of 95%. In summary, the available evidence is currently insufficient to determine the role of this variant in disease. Therefore, it has been classified as a Variant of Uncertain Significance.

Ambry Genetics
Classification: Uncertain significance for Cardiovascular phenotype. Last evaluated: 2019-02-01. Review status: criteria provided, single submitter. Criteria: Ambry Variant Classification Scheme 2023. Collection method: clinical testing. Allele origin: germline.
Comment: The p.A303D variant (also known as c.908C>A), located in coding exon 7 of the ENG gene, results from a C to A substitution at nucleotide position 908. The alanine at codon 303 is replaced by aspartic acid, an amino acid with dissimilar properties. This amino acid position is highly conserved in available vertebrate species. In addition, the in silico prediction for this alteration is inconclusive. Since supporting evidence is limited at this time, the clinical significance of this alteration remains unclear.